The following is an entry in ClinVar:

ClinVar aggregate classification (germline): Likely benign. Review status: criteria provided, multiple submitters, no conflicts (2 of 4 stars). 3 submissions from 3 submitters: Likely benign (3). Last evaluated 2026-03-01.

Submissions (3):

CeGaT Center for Human Genetics Tuebingen
Classification: Likely benign. Last evaluated: 2026-03-01. Review status: criteria provided, single submitter. Criteria: CeGaT Center For Human Genetics Tuebingen Variant Classification Criteria Version 2. Collection method: clinical testing. Allele origin: germline. Affected: yes. Observed: 4 variant alleles.
Comment: ATXN3: BS1

Laboratory of Genetics, Children's Clinical University Hospital Latvia
Classification: Likely benign. Last evaluated: 2025-02-16. Review status: criteria provided, single submitter. Criteria: ACMG Guidelines, 2015. Collection method: clinical testing. Allele origin: germline. Affected: yes.

Blueprint Genetics
Classification: Likely benign. Last evaluated: 2024-11-27. Review status: criteria provided, single submitter. Criteria: ACMG Guidelines, 2015. Collection method: clinical testing. Allele origin: germline.

NM_004993.6(ATXN3):c.892CAG[20] (p.Gln305_Gly306insGlnGlnGlnGlnGlnGlnGlnGlnGlnGlnGlnGln)

Genes: ATXN3 (ataxin 3; minus strand), LOC108663987 (ataxin 3 repeat instability region; plus strand). Cytogenetic location: 14q32.12.
Variant type: Microsatellite.
Coding change: c.892CAG[20] on transcript NM_004993.6 (MANE Select); 20 copies in a row of the 3-base unit CAG starting at c.892.
Protein change: p.Gln305_Gly306insGlnGlnGlnGlnGlnGlnGlnGlnGlnGlnGlnGln.
Molecular consequence: non-coding transcript variant (on NR_028453.2).
Genome position: GRCh38, VCF-style position (the base before the change): chr14:92,071,010. GRCh37 (hg19), VCF-style position (the base before the change): chr14:92,537,354.
Other names: c.847CAG[20], p.Gln290_Gly291insGlnGlnGlnGlnGlnGlnGlnGlnGlnGlnGlnGln (NM_001127696.2); c.739CAG[20], p.Gln254_Gly255insGlnGlnGlnGlnGlnGlnGlnGlnGlnGlnGlnGln (NM_001127697.3); c.209CAG[20], p.Ala77_Gly78insAlaAlaAlaAlaAlaAlaAlaAlaAlaAlaAlaAla (NM_001164774.2); c.254CAG[20], p.Ala92_Gly93insAlaAlaAlaAlaAlaAlaAlaAlaAlaAlaAlaAla (NM_001164776.2); c.89CAG[20], p.Ala37_Gly38insAlaAlaAlaAlaAlaAlaAlaAlaAlaAlaAlaAla (NM_001164777.2); c.407CAG[20], p.Ala143_Gly144insAlaAlaAlaAlaAlaAlaAlaAlaAlaAlaAlaAla (NM_001164778.2); c.529CAG[20], p.Gln184_Gly185insGlnGlnGlnGlnGlnGlnGlnGlnGlnGlnGlnGln (NM_001164779.2); c.355CAG[20], p.Gln126_Gly127insGlnGlnGlnGlnGlnGlnGlnGlnGlnGlnGlnGln (NM_001164780.2); and 3 more.
Identifiers: ClinVar variation 3771181 (VCV003771181.15).